The following is an entry in ClinVar:

ClinVar aggregate classification (germline): Benign (1 of 4 stars; one submission).

Submission:

CeGaT Center for Human Genetics Tuebingen
Classification: Benign. Last evaluated: 2022-07-01. Review status: criteria provided, single submitter. Criteria: CeGaT Center For Human Genetics Tuebingen Variant Classification Criteria Version 2. Collection method: clinical testing. Allele origin: germline. Affected: yes. Observed: 1 variant allele.
Comment: NF2: BS1, BS2

NM_000268.4(NF2):c.*3319del

Gene: NF2 (NF2, moesin-ezrin-radixin like (MERLIN) tumor suppressor; plus strand). Cytogenetic location: 22q12.2.
Variant type: Deletion.
Coding change: c.*3319del on transcript NM_000268.4 (MANE Select); 3319 bases downstream of the stop codon, one base deleted (G; older notation c.*3319delG).
Molecular consequence: 3 prime UTR variant. On other transcripts: non-coding transcript variant (1).
Genome position (GRCh38, 1-based): chr22:29,698,121, G deleted; the last of 2 consecutive G bases (chr22:29,698,120-29,698,121); deleting either gives the same sequence. VCF-style (leftmost placement, unchanged base first): chr22-29698119-AG-A. GRCh37 (hg19) VCF-style: chr22-30094108-AG-A.
Other names: c.*3379del (NM_016418.5, NM_181828.3, NM_181829.3 and 1 more transcripts); c.*3394del (NM_181832.3); c.*3319del (NM_181833.3).
Identifiers: ClinVar variation 341169 (VCV000341169.29), dbSNP rs372162228, ClinGen allele CA10645290.